The following is an entry in ClinVar:

ClinVar aggregate classification (germline): Uncertain significance (1 of 4 stars; one submission).

Allele frequency attached by ClinVar (database versions not stated): TOPMed below 0.00001.

Submission:

GeneDx
Classification: Uncertain significance. Last evaluated: 2023-07-26. Review status: criteria provided, single submitter. Criteria: GeneDx Variant Classification Process June 2021. Collection method: clinical testing. Allele origin: germline. Affected: yes.
Comment: Not observed at significant frequency in large population cohorts (gnomAD); In silico analysis supports that this missense variant has a deleterious effect on protein structure/function; Has not been previously published as pathogenic or benign to our knowledge; Variants in candidate genes are classified as variants of uncertain significance in accordance with ACMG guidelines (Richards et al., 2015)

NM_003201.3(TFAM):c.692T>C (p.Leu231Pro)

Gene: TFAM (transcription factor A, mitochondrial; plus strand). Cytogenetic location: 10q21.1.
Variant type: single nucleotide variant.
Coding change: c.692T>C on transcript NM_003201.3 (MANE Select); coding-DNA position 692, T replaced by C.
Protein change: p.Leu231Pro; replaces leucine 231 with proline.
Molecular consequence: missense variant. On other transcripts: non-coding transcript variant (1).
Genome position (GRCh38, 1-based): chr10:58,395,025, T>C. VCF-style: chr10-58395025-T-C. GRCh37 (hg19) VCF-style: chr10-60154785-T-C.
Other names: c.596T>C, p.Leu199Pro (NM_001270782.2); short protein forms L199P, L231P.
Identifiers: ClinVar variation 3252431 (VCV003252431.1), dbSNP rs1840657113.